The following is an entry in ClinVar:

ClinVar aggregate classification (germline): Pathogenic/Likely pathogenic. Review status: criteria provided, multiple submitters, no conflicts (2 of 4 stars). 2 submissions from 2 submitters: Pathogenic (1); Likely pathogenic (1). Last evaluated 2016-06-27.

Submissions (2):

GeneDx
Classification: Pathogenic. Last evaluated: 2016-06-27. Review status: criteria provided, single submitter. Criteria: GeneDx Variant Classification (06012015). Collection method: clinical testing. Allele origin: germline. Affected: yes.
Comment: The c.7366_7367delAT pathogenic variant in the ATRX gene has not been reported previously as a pathogenic variant nor as a benign variant, to our knowledge. The c.7366_7367delAT variant causes a frameshift starting with codon Methionine 2456, changes this amino acid to a Glutamic Acid residue, and creates a premature Stop codon at position 41 of the new reading frame, denoted p.Met2456GlufsX41. The c.7366_7367delAT variant was not observed in approximately 6500 individuals of European and African American ancestry in the NHLBI Exome Sequencing Project, indicating it is not a common benign variant in these populations. A protein truncating pathogenic variant downstream of this variant has been reported in the Human Gene Mutation Database in association with ATRX-related disorders (Stenson et al., 2014), supporting the pathogenicity of more upstream truncating variants. We interpret c.7366_7367delAT as a pathogenic variant.

Eurofins Ntd Llc (ga)
Classification: Likely pathogenic. Last evaluated: 2015-02-18. Review status: criteria provided, single submitter. Criteria: EGL Classification Definitions 2015. Collection method: clinical testing. Allele origin: germline. Observed: 1 variant allele, 1 hemizygote.

NM_000489.6(ATRX):c.7366_7367del (p.Met2456fs)

Gene: ATRX (ATRX chromatin remodeler; minus strand). Cytogenetic location: Xq21.1.
Variant type: Microsatellite.
Coding change: c.7366_7367del on transcript NM_000489.6 (MANE Select); coding-DNA positions 7366 to 7367, 2 bases deleted (AT; older notation c.7366_7367delAT).
Protein change: p.Met2456fs; shifts the reading frame from methionine 2456.
Molecular consequence: frameshift variant.
Genome position (GRCh38, 1-based): chrX:77,508,463-77,508,464, AT deleted on the plus strand (AT on the coding strand, the reverse complement: ATRX is on the minus strand); deleting any 2 consecutive bases within chrX:77,508,463-77,508,466 gives the same sequence; the c. name uses the placement nearest the transcript's 3' end. VCF-style (leftmost placement, unchanged base first): chrX-77508462-CAT-C. GRCh37 (hg19) VCF-style: chrX-76763940-CAT-C.
Other names: c.7252_7253del, p.Met2418fs (NM_138270.5); short protein forms M2418fs, M2456fs.
Identifiers: ClinVar variation 196938 (VCV000196938.6), dbSNP rs797044723, ClinGen allele CA275226.